The following is an entry in ClinVar:

NM_032119.4(ADGRV1):c.18450G>A (p.Met6150Ile)

Gene: ADGRV1 (adhesion G protein-coupled receptor V1; plus strand). Cytogenetic location: 5q14.3.
Variant type: single nucleotide variant.
Coding change: c.18450G>A on transcript NM_032119.4 (MANE Select); coding-DNA position 18450, G replaced by A.
Protein change: p.Met6150Ile; replaces methionine 6150 with isoleucine.
Molecular consequence: missense variant. On other transcripts: non-coding transcript variant (1).
Genome position (GRCh38, 1-based): chr5:91,150,047, G>A. VCF-style: chr5-91150047-G-A. GRCh37 (hg19) VCF-style: chr5-90445864-G-A.
Other names: short protein forms M6150I.
Identifiers: ClinVar variation 1918272 (VCV001918272.3), dbSNP rs1299380458, ClinGen allele CA360432026.

ClinVar aggregate classification (germline): Uncertain significance. Review status: criteria provided, multiple submitters, no conflicts (2 of 4 stars). 2 submissions from 2 submitters: Uncertain significance (2). Last evaluated 2022-06-29.

Allele frequency attached by ClinVar (database versions not stated): gnomAD exomes below 0.00001.
gnomAD v4.1: 2 of 1,376,820 alleles (0.00015%); highest among the groups gnomAD compares: Non-Finnish European, 0.00019%; no homozygotes.

Submissions (2):

Labcorp Genetics (formerly Invitae), Labcorp
Classification: Uncertain significance. Last evaluated: 2022-06-29. Review status: criteria provided, single submitter. Criteria: Invitae Variant Classification Sherloc (09022015). Collection method: clinical testing. Allele origin: germline.
Comment: This sequence change replaces methionine, which is neutral and non-polar, with isoleucine, which is neutral and non-polar, at codon 6150 of the ADGRV1 protein (p.Met6150Ile). This variant is not present in population databases (gnomAD no frequency). This variant has not been reported in the literature in individuals affected with ADGRV1-related conditions. Algorithms developed to predict the effect of missense changes on protein structure and function (SIFT, PolyPhen-2, Align-GVGD) all suggest that this variant is likely to be tolerated. In summary, the available evidence is currently insufficient to determine the role of this variant in disease. Therefore, it has been classified as a Variant of Uncertain Significance.

Blueprint Genetics
Classification: Uncertain significance. Last evaluated: 2022-02-25. Review status: criteria provided, single submitter. Criteria: ACMG Guidelines, 2015. Collection method: clinical testing. Allele origin: germline.